The following is an entry in ClinVar:

NM_000321.3(RB1):c.19dup (p.Arg7fs)

Gene: RB1 (RB transcriptional corepressor 1; plus strand). Cytogenetic location: 13q14.2.
Variant type: Duplication.
Coding change: c.19dup on transcript NM_000321.3 (MANE Select); coding-DNA position 19, one base duplicated (C; older notation c.19dupC).
Protein change: p.Arg7fs; shifts the reading frame from arginine 7.
Molecular consequence: frameshift variant.
Genome position (GRCh38, 1-based): chr13:48,303,931, C duplicated; the last of 6 consecutive C bases (chr13:48,303,926-48,303,931); duplicating any one gives the same sequence. VCF-style (leftmost placement, unchanged base first): chr13-48303925-A-AC. GRCh37 (hg19) VCF-style: chr13-48878061-A-AC.
Other names: c.19dupC (NM_000321.2); short protein forms R7fs.
Identifiers: ClinVar variation 428670 (VCV000428670.15), dbSNP rs1131690852, ClinGen allele CA609859297.

ClinVar aggregate classification (germline): Pathogenic. Review status: criteria provided, multiple submitters, no conflicts (2 of 4 stars). 5 submissions from 5 submitters: Pathogenic (5). Last evaluated 2025-09-17.

Conditions:
Hereditary cancer-predisposing syndrome. Also called: Hereditary Cancer Syndrome; Tumor predisposition; Hereditary neoplastic syndrome; Neoplastic Syndromes, Hereditary. Identifiers: Orphanet 140162, MedGen C0027672, MeSH D009386, MONDO:0015356.
Retinoblastoma (RB1). Also called: RETINOBLASTOMA, SOMATIC. Identifiers: Orphanet 790, MedGen C0035335, MeSH D012175, MONDO:0008380, OMIM 180200, HP:0009919. Disease mechanism: loss of function. Inheritance: Both sporadic and heritable forms are tested..

Submissions (5):

Labcorp Genetics (formerly Invitae), Labcorp
Classification: Pathogenic for Retinoblastoma. Last evaluated: 2025-09-17. Review status: criteria provided, single submitter. Criteria: Invitae Variant Classification Sherloc (09022015). Collection method: clinical testing. Allele origin: germline.
Comment: This sequence change creates a premature translational stop signal (p.Arg7Profs*24) in the RB1 gene. It is expected to result in an absent or disrupted protein product. Loss-of-function variants in RB1 are known to be pathogenic (PMID: 17096365). This variant is not present in population databases (gnomAD no frequency). This premature translational stop signal has been observed in individual(s) with retinoblastoma (PMID: 12541220, 21520333, 26539030). Invitae Evidence Modeling of clinical and family history, age, sex, and reported ancestry of multiple individuals with this RB1 variant has been performed. This variant is expected to be pathogenic with a positive predictive value of at least 99%. This is a validated machine learning model that incorporates the clinical features of 413,071 individuals referred to our laboratory for RB1 testing. ClinVar contains an entry for this variant (Variation ID: 428670). For these reasons, this variant has been classified as Pathogenic.

Genetic Diagnostic Laboratory, University of Pennsylvania School of Medicine
Classification: Pathogenic for Retinoblastoma. Last evaluated: 2024-05-20. Review status: criteria provided, single submitter. Criteria: ACMG Guidelines, 2015. Collection method: clinical testing. Allele origin: germline. Affected: yes. Observed: 3 variant alleles.
Comment: Case and Pedigree Information: BILATERAL CASES:3, UNILATERAL CASES:0, TOTAL CASES:3, PEDIGREES:3. ACMG Codes Applied:PVS1, PM2, PS4SUP

Molecular Pathology, Peter Maccallum Cancer Centre
Classification: Pathogenic for Retinoblastoma. Last evaluated: 2024-02-23. Review status: criteria provided, single submitter. Criteria: ACMG Guidelines, 2015. Collection method: clinical testing. Allele origin: germline. Inheritance: Autosomal dominant inheritance.

GeneDx
Classification: Pathogenic. Last evaluated: 2023-09-26. Review status: criteria provided, single submitter. Criteria: GeneDx Variant Classification Process June 2021. Collection method: clinical testing. Allele origin: germline.
Comment: Frameshift variant predicted to result in protein truncation or nonsense mediated decay in a gene for which loss of function is a known mechanism of disease; Not observed at significant frequency in large population cohorts (gnomAD); Observed in individuals with retinoblastoma, including at least once as an apparently de novo variant (PMID: 26539030, 33807189, 33456302); This variant is associated with the following publications: (PMID: 12541220, 26539030, 33807189, 33456302)

Ambry Genetics
Classification: Pathogenic for Hereditary cancer-predisposing syndrome. Last evaluated: 2012-12-25. Review status: criteria provided, single submitter. Criteria: Ambry Autosomal Dominant and X-Linked criteria (10/2015). Collection method: clinical testing. Allele origin: germline. Observed: 1 variant allele.

Literature cited by the submitters: PubMed 17096365 (cited by Labcorp Genetics (formerly Invitae), Labcorp); PubMed 12541220 (cited by Labcorp Genetics (formerly Invitae), Labcorp); PubMed 21520333 (cited by Labcorp Genetics (formerly Invitae), Labcorp); PubMed 26539030 (cited by Labcorp Genetics (formerly Invitae), Labcorp).